The following is an entry in ClinVar:

NM_000435.3(NOTCH3):c.341-2A>T

Gene: NOTCH3 (notch receptor 3; minus strand). Cytogenetic location: 19p13.12.
Variant type: single nucleotide variant.
Coding change: c.341-2A>T on transcript NM_000435.3 (MANE Select); the canonical splice acceptor site of the intron before coding-DNA position 341, A replaced by T.
Molecular consequence: splice acceptor variant.
Genome position (GRCh38, 1-based): chr19:15,192,300, T>A on the plus strand (A>T on the coding strand, the complement: NOTCH3 is on the minus strand). VCF-style: chr19-15192300-T-A. GRCh37 (hg19) VCF-style: chr19-15303111-T-A.
Other names: c.341-2A>T (NM_000435.2).
Identifiers: ClinVar variation 2921222 (VCV002921222.4), dbSNP rs2046935672, ClinGen allele CA404534605.

ClinVar aggregate classification (germline): Pathogenic. Review status: criteria provided, multiple submitters, no conflicts (2 of 4 stars). 3 submissions from 3 submitters: Pathogenic (3). Last evaluated 2026-06-22.

Conditions:
Cerebral arteriopathy, autosomal dominant, with subcortical infarcts and leukoencephalopathy, type 1 (CADASIL1). Also called: CADASIL 1; CASIL; Cerebral arteriopathy with subcortical infarcts and leukoencephalopathy 1; DEMENTIA, HEREDITARY MULTIINFARCT TYPE. Identifiers: Orphanet 136, MedGen C4551768, MONDO:0000914, OMIM 125310.

Submissions (3):

Women's Health and Genetics/Laboratory Corporation of America, LabCorp
Classification: Pathogenic for Cerebral arteriopathy, autosomal dominant, with subcortical infarcts and leukoencephalopathy, type 1. Last evaluated: 2026-06-22. Review status: criteria provided, single submitter. Criteria: LabCorp Variant Classification Summary - May 2015. Collection method: clinical testing. Allele origin: germline.
Comment: Variant summary: NOTCH3 c.341-2A>T is located in a canonical splice-site and is predicted to affect mRNA splicing resulting in a significantly altered protein due to either exon skipping, shortening, or inclusion of intronic material. Variants that disrupt the consensus splice site are a relatively common cause of aberrant splicing and loss of NOTCH3 function. Several computational tools predict a significant impact on normal splicing: Four predict the variant abolishes a 3' acceptor site. One predict the variant strengthens a cryptic 3' acceptor site. However, these predictions have yet to be confirmed by functional studies. The variant was absent in 232382 control chromosomes. To our knowledge, no occurrence of c.341-2A>T in individuals affected with NOTCH3-related conditions and no experimental evidence demonstrating its impact on protein function have been reported. A different splice variant affecting the canonical splice acceptor site (c.341-2A>G) has been classified as Pathogenic. ClinVar contains an entry for this variant (Variation ID: 2921222). Based on the evidence outlined above, the variant was classified as pathogenic.

Athena Diagnostics
Classification: Pathogenic. Last evaluated: 2024-05-14. Review status: criteria provided, single submitter. Criteria: Athena Diagnostics Criteria. Collection method: clinical testing. Allele origin: unknown.
Comment: This variant is expected to severely impact normal RNA splicing, and consequently, protein structure and/or function. This variant has not been reported in large, multi-ethnic general populations. This variant is expected to result in the same abnormal RNA splicing as a pathogenic variant at the same nucleotide position, which alters a critical region of the protein (PMID: 10802807), strongly indicating this variant also causes disease. This variant has been identified in at least one individual tested at Athena Diagnostics with clinical features associated with this gene.

ARUP Laboratories, Molecular Genetics and Genomics, ARUP Laboratories
Classification: Pathogenic. Last evaluated: 2024-04-09. Review status: criteria provided, single submitter. Criteria: ARUP Molecular Germline Variant Investigation Process 2024. Collection method: clinical testing. Allele origin: germline.
Comment: The NOTCH3 c.341-2A>T variant (rs2046935672), to our knowledge, is not reported in the medical literature or gene specific databases. This variant is also absent from the Genome Aggregation Database, indicating it is not a common polymorphism. This variant disrupts the canonical splice acceptor site of intron 3, which is likely to negatively impact gene function. Additionally, another variant at the same nucleotide, c.341-2A>G, has been reported in individuals affected with CADASIL, and is considered pathogenic (Joutel 2000, Liu). In vitro functional analyses of the c.341-2A>G variant demonstrate an in-frame deletion of seven amino acids, including a cysteine residue in an EGF-like domain (Joutel 2000). Based on available information, the c.341-2A>T variant is considered to be pathogenic. References: Joutel A et al. Splice site mutation causing a seven amino acid Notch3 in-frame deletion in CADASIL. Neurology. 2000 May 9;54(9):1874-5. PMID: 10802807. Liu X et al. The genetic spectrum and the evaluation of CADASIL screening scale in Chinese patients with NOTCH3 mutations. J Neurol Sci. 2015 Jul 15;354(1-2):63-9. PMID: 25982499.

Literature cited by the submitters: PubMed 10802807 (cited by Athena Diagnostics).